The following is an entry in ClinVar:

ClinVar aggregate classification (germline): Benign. Review status: criteria provided, multiple submitters, no conflicts (2 of 4 stars). 4 submissions from 4 submitters: Benign (4). Last evaluated 2025-11-18.

Conditions:
Emery-Dreifuss muscular dystrophy 5, autosomal dominant (EDMD5). Also called: EMERY-DREIFUSS MUSCULAR DYSTROPHY 5. Identifiers: Orphanet 261, MedGen C2751805, MONDO:0013072, OMIM 612999.

Allele frequency attached by ClinVar (database versions not stated): gnomAD 0.00026 and 0.00106; TOPMed 0.00033; gnomAD exomes 0.00200 and 0.00210; ExAC 0.00314; 1000 Genomes Project 0.00759.

Submissions (4):

Labcorp Genetics (formerly Invitae), Labcorp
Classification: Benign for Emery-Dreifuss muscular dystrophy 5, autosomal dominant. Last evaluated: 2025-11-18. Review status: criteria provided, single submitter. Criteria: Invitae Variant Classification Sherloc (09022015). Collection method: clinical testing. Allele origin: germline.

Athena Diagnostics
Classification: Benign. Last evaluated: 2024-10-29. Review status: criteria provided, single submitter. Criteria: Athena Diagnostics Criteria. Collection method: clinical testing. Allele origin: unknown.

Illumina Laboratory Services, Illumina
Classification: Benign for Emery-Dreifuss muscular dystrophy 5, autosomal dominant. Last evaluated: 2018-01-12. Review status: criteria provided, single submitter. Criteria: ICSL Variant Classification Criteria 13 December 2019. Collection method: clinical testing. Allele origin: germline.
Comment: This variant was observed in the ICSL laboratory as part of a predisposition screen in an ostensibly healthy population. It had not been previously curated by ICSL or reported in the Human Gene Mutation Database (HGMD: prior to June 1st, 2018), and was therefore a candidate for classification through an automated scoring system. Utilizing variant allele frequency, disease prevalence and penetrance estimates, and inheritance mode, an automated score was calculated to assess if this variant is too frequent to cause the disease. Based on the score and internal cut-off values, a variant classified as benign is not then subjected to further curation. The score for this variant resulted in a classification of benign for this disease.

Eurofins Ntd Llc (ga)
Classification: Benign. Last evaluated: 2015-09-22. Review status: criteria provided, single submitter. Criteria: EGL Classification Definitions 2015. Collection method: clinical testing. Allele origin: germline. Observed: 1 variant allele, 1 heterozygote.

NM_182914.3(SYNE2):c.990+10A>G

Gene: SYNE2 (spectrin repeat containing nuclear envelope protein 2; plus strand). Cytogenetic location: 14q23.2.
Variant type: single nucleotide variant.
Coding change: c.990+10A>G on transcript NM_182914.3 (MANE Select); 10 bases into the intron after coding-DNA position 990, A replaced by G.
Molecular consequence: intron variant.
Genome position (GRCh38, 1-based): chr14:63,964,010, A>G. VCF-style: chr14-63964010-A-G. GRCh37 (hg19) VCF-style: chr14-64430728-A-G.
Other names: c.990+10A>G (NM_015180.6).
Identifiers: ClinVar variation 283393 (VCV000283393.21), dbSNP rs145924910, ClinGen allele CA7219279.
Genomic context (GRCh38, chr14:63,964,010, plus strand): 5'-CAGAAGTTGCTAAAGGATTCAGAGAATGATACCTACTTTAAAAAGTATAATGTAAGTATG[A>G]TTTTAAACAGCTGTTTGTAATTTACCTTTTAAGAGTTGAGCGTAAGTATGTTTTTAGAAA-3'